The following is an entry in ClinVar:

NM_003482.4(KMT2D):c.12609A>C (p.Gly4203=)

Gene: KMT2D (lysine methyltransferase 2D; minus strand). Cytogenetic location: 12q13.12.
Variant type: single nucleotide variant.
Coding change: c.12609A>C on transcript NM_003482.4 (MANE Select); coding-DNA position 12609, A replaced by C.
Protein change: p.Gly4203=; no amino-acid change (glycine 4203 retained).
Molecular consequence: synonymous variant.
Genome position (GRCh38, 1-based): chr12:49,032,096, T>G on the plus strand (A>C on the coding strand, the complement: KMT2D is on the minus strand). VCF-style: chr12-49032096-T-G. GRCh37 (hg19) VCF-style: chr12-49425879-T-G.
Identifiers: ClinVar variation 2057728 (VCV002057728.6), dbSNP rs558222155, ClinGen allele CA6546176.

ClinVar aggregate classification (germline): Benign. Review status: criteria provided, single submitter (1 of 4 stars). 2 submissions from 2 submitters: Benign (1). 1 of the submissions does not count toward it. Last evaluated 2025-11-09.

Conditions:
KMT2D-related disorder. Also called: KMT2D-Related Disorders.
Kabuki syndrome. Also called: Kabuki make-up syndrome; NIIKAWA-KUROKI SYNDROME. Identifiers: Orphanet 2322, MedGen C0796004, MONDO:0016512.

Allele frequency attached by ClinVar (database versions not stated): TOPMed below 0.00001; gnomAD 0.00001; ExAC 0.00002; gnomAD exomes 0.00002.
gnomAD v4.1: 10 of 1,613,784 alleles (0.00062%); highest among the groups gnomAD compares: Admixed American, 0.017%; no homozygotes.

Submissions (2):

Labcorp Genetics (formerly Invitae), Labcorp
Classification: Benign for Kabuki syndrome. Last evaluated: 2025-11-09. Review status: criteria provided, single submitter. Criteria: Invitae Variant Classification Sherloc (09022015). Collection method: clinical testing. Allele origin: germline.

PreventionGenetics, part of Exact Sciences
Classification: Likely benign for KMT2D-related condition. Last evaluated: 2022-05-27. Review status: no assertion criteria provided. Collection method: clinical testing. Allele origin: germline. Not counted in ClinVar's aggregate classification.
Comment: This variant is classified as likely benign based on ACMG/AMP sequence variant interpretation guidelines (Richards et al. 2015 PMID: 25741868, with internal and published modifications).